The following is an entry in ClinVar:

NM_182961.4(SYNE1):c.4695G>T (p.Gln1565His)

Gene: SYNE1 (spectrin repeat containing nuclear envelope protein 1; minus strand). Cytogenetic location: 6q25.2.
Variant type: single nucleotide variant.
Coding change: c.4695G>T on transcript NM_182961.4 (MANE Select); coding-DNA position 4695, G replaced by T.
Protein change: p.Gln1565His; replaces glutamine 1565 with histidine.
Molecular consequence: missense variant.
Genome position (GRCh38, 1-based): chr6:152,430,205, C>A on the plus strand (G>T on the coding strand, the complement: SYNE1 is on the minus strand). VCF-style: chr6-152430205-C-A. GRCh37 (hg19) VCF-style: chr6-152751340-C-A.
Other names: c.4716G>T, p.Gln1572His (NM_033071.5); short protein forms Q1565H, Q1572H.
Identifiers: ClinVar variation 1508689 (VCV001508689.8), dbSNP rs2154201077, ClinGen allele CA366141642.

ClinVar aggregate classification (germline): Uncertain significance (1 of 4 stars; one submission).

Conditions:
Emery-Dreifuss muscular dystrophy 4, autosomal dominant (EDMD4). Also called: EMERY-DREIFUSS MUSCULAR DYSTROPHY 4 WITH VARIABLE FEATURES. Identifiers: Orphanet 261, MedGen C2751807, MONDO:0013071, OMIM 612998.
Autosomal recessive ataxia, Beauce type. Also called: Spinocerebellar ataxia, autosomal recessive 8; ATAXIA, RECESSIVE, OF BEAUCE; SYNE1 Deficiency; SYNE1-Related Autosomal Recessive Cerebellar Ataxia. Identifiers: Orphanet 88644, MedGen C1853116, MONDO:0012549, OMIM 610743.

Submission:

Labcorp Genetics (formerly Invitae), Labcorp
Classification: Uncertain significance for Emery-Dreifuss muscular dystrophy 4, autosomal dominant; Autosomal recessive ataxia, Beauce type. Last evaluated: 2021-02-09. Review status: criteria provided, single submitter. Criteria: Invitae Variant Classification Sherloc (09022015). Collection method: clinical testing. Allele origin: germline.
Comment: This sequence change replaces glutamine with histidine at codon 1572 of the SYNE1 protein (p.Gln1572His). The glutamine residue is highly conserved and there is a small physicochemical difference between glutamine and histidine. In summary, the available evidence is currently insufficient to determine the role of this variant in disease. Therefore, it has been classified as a Variant of Uncertain Significance. Algorithms developed to predict the effect of missense changes on protein structure and function are either unavailable or do not agree on the potential impact of this missense change (SIFT: "Deleterious"; PolyPhen-2: "Probably Damaging"; Align-GVGD: "Class C0"). This variant has not been reported in the literature in individuals with SYNE1-related conditions. This variant is not present in population databases (ExAC no frequency).